The following is an entry in ClinVar:

ClinVar aggregate classification (germline): Conflicting classifications of pathogenicity. Review status: criteria provided, conflicting classifications (1 of 4 stars). 4 submissions from 4 submitters: Uncertain significance (2); Likely benign (1). 1 of the submissions does not count toward it. Last evaluated 2026-01-06.

Conditions:
Inborn genetic diseases. Identifiers: MedGen C0950123, MeSH D030342.
X-linked distal spinal muscular atrophy type 3. Also called: SPINAL MUSCULAR ATROPHY, DISTAL, X-LINKED RECESSIVE; ATP7A-Related Distal Motor Neuropathy; NEURONOPATHY, DISTAL HEREDITARY MOTOR, X-LINKED; NEUROPATHY, DISTAL HEREDITARY MOTOR, X-LINKED. Identifiers: Orphanet 139557, MedGen C1845359, MONDO:0010338, OMIM 300489.
Menkes kinky-hair syndrome (MNK). Also called: Copper transport disease; Classic Menkes Disease; Menkes Disease. Identifiers: Orphanet 565, MedGen C0022716, MONDO:0010651, OMIM 309400.
Cutis laxa, X-linked (OHS). Also called: EDS IX; Occipital horn syndrome. Identifiers: Orphanet 198, MedGen C0268353, MONDO:0010572, OMIM 304150.

Allele frequency attached by ClinVar (database versions not stated): gnomAD 0.00003; TOPMed 0.00003; ESP Exome Variant Server 0.00009.
gnomAD v4.1: 12 of 1,207,285 alleles (0.00099%); highest among the groups gnomAD compares: African/African-American, 0.021%; no homozygotes.

Submissions (4):

Labcorp Genetics (formerly Invitae), Labcorp
Classification: Likely benign for X-linked distal spinal muscular atrophy type 3; Cutis laxa, X-linked; Menkes kinky-hair syndrome. Last evaluated: 2026-01-06. Review status: criteria provided, single submitter. Criteria: Invitae Variant Classification Sherloc (09022015). Collection method: clinical testing. Allele origin: germline.

GeneDx
Classification: Uncertain significance. Last evaluated: 2021-02-02. Review status: criteria provided, single submitter. Criteria: GeneDx Variant Classification Process June 2021. Collection method: clinical testing. Allele origin: germline. Affected: yes.
Comment: In silico analysis supports that this missense variant has a deleterious effect on protein structure/function; Has not been previously published as pathogenic or benign to our knowledge

Ambry Genetics
Classification: Uncertain significance for Inborn genetic diseases. Last evaluated: 2014-07-25. Review status: criteria provided, single submitter. Criteria: Ambry Variant Classification Scheme 2023. Collection method: clinical testing. Allele origin: germline.
Comment: The p.V521M variant (also known as c.1561G>A), located in coding exon 5 of the ATP7A gene, results from a G to A substitution at nucleotide position 1561. The valine at codon 521 is replaced by methionine, an amino acid with highly similar properties. This variant was previously reported in the SNPDatabase as rs139902461. Based on data from the 1000 Genomes Project, the A allele has an overall frequency of approximately 0% (0/503) total male alleles studied.. Based on data from the NHLBI Exome Sequencing Project (ESP), the A allele was absent out of 2440 total male alleles studied. This amino acid position is highly conserved in available vertebrate species. In addition, this alteration is predicted to be deleterious by in silico analysis. Since supporting evidence is limited at this time, the clinical significance of this variant remains unclear.

Natera, Inc.
Classification: Uncertain significance for Menkes kinky hair syndrome. Last evaluated: 2020-09-24. Review status: no assertion criteria provided. Collection method: clinical testing. Allele origin: germline. Not counted in ClinVar's aggregate classification.

NM_000052.7(ATP7A):c.1561G>A (p.Val521Met)

Gene: ATP7A (ATPase copper transporting alpha; plus strand). Cytogenetic location: Xq21.1.
Variant type: single nucleotide variant.
Coding change: c.1561G>A on transcript NM_000052.7 (MANE Select); coding-DNA position 1561, G replaced by A.
Protein change: p.Val521Met; replaces valine 521 with methionine.
Molecular consequence: missense variant.
Genome position (GRCh38, 1-based): chrX:78,003,090, G>A. VCF-style: chrX-78003090-G-A. GRCh37 (hg19) VCF-style: chrX-77258587-G-A.
Other names: c.1561G>A, p.Val521Met (NM_001282224.2); short protein forms V521M.
Identifiers: ClinVar variation 1199169 (VCV001199169.10), dbSNP rs139902461, ClinGen allele CA10459067.
Genomic context (GRCh38, chrX:78,003,090, plus strand): 5'-AAAAGAATGTTATCTGTATTGTTTTTCTTATCAATGCTCTTAGGAATATATTCTATACTT[G>A]TGGCCCTGATGGCTGGCAAGGCAGAAGTAAGGTATAATCCTGCTGTTATACAACCCCCAA-3'
Protein context (NP_000043.4, residues 511-531): RREEGIYSIL[Val521Met]ALMAGKAEVR